The following is an entry in ClinVar:

NM_000465.4(BARD1):c.1633C>G (p.Leu545Val)

Gene: BARD1 (BRCA1 associated RING domain 1; minus strand). Cytogenetic location: 2q35.
Variant type: single nucleotide variant.
Coding change: c.1633C>G on transcript NM_000465.4 (MANE Select); coding-DNA position 1633, C replaced by G.
Protein change: p.Leu545Val; replaces leucine 545 with valine.
Molecular consequence: missense variant. On other transcripts: non-coding transcript variant (3), intron variant (1).
Genome position (GRCh38, 1-based): chr2:214,752,491, G>C on the plus strand (C>G on the coding strand, the complement: BARD1 is on the minus strand). VCF-style: chr2-214752491-G-C. GRCh37 (hg19) VCF-style: chr2-215617215-G-C.
Other names: c.1576C>G, p.Leu526Val (NM_001282543.2); c.280C>G, p.Leu94Val (NM_001282545.2); c.223C>G, p.Leu75Val (NM_001282548.2); c.365-21983C>G (NM_001282549.2); short protein forms L526V, L545V, L75V, L94V.
Identifiers: ClinVar variation 1004137 (VCV001004137.9), dbSNP rs779307636, ClinGen allele CA350454749.

ClinVar aggregate classification (germline): Uncertain significance (1 of 4 stars; one submission).

Conditions:
Familial cancer of breast. Also called: Hereditary breast cancer; hereditary breast carcinoma; BREAST CANCER, FAMILIAL. Identifiers: Orphanet 227535, MedGen C0346153, MONDO:0016419, OMIM 114480. Disease mechanism: loss of function.

Submission:

Labcorp Genetics (formerly Invitae), Labcorp
Classification: Uncertain significance for Familial cancer of breast. Last evaluated: 2020-06-02. Review status: criteria provided, single submitter. Criteria: Invitae Variant Classification Sherloc (09022015). Collection method: clinical testing. Allele origin: germline.
Comment: This sequence change replaces leucine with valine at codon 545 of the BARD1 protein (p.Leu545Val). The leucine residue is highly conserved and there is a small physicochemical difference between leucine and valine. This variant is not present in population databases (ExAC no frequency). This variant has not been reported in the literature in individuals with BARD1-related conditions. Algorithms developed to predict the effect of missense changes on protein structure and function (SIFT, PolyPhen-2, Align-GVGD) all suggest that this variant is likely to be tolerated, but these predictions have not been confirmed by published functional studies and their clinical significance is uncertain. Algorithms developed to predict the effect of sequence changes on RNA splicing suggest that this variant may create or strengthen a splice site, but this prediction has not been confirmed by published transcriptional studies. In summary, the available evidence is currently insufficient to determine the role of this variant in disease. Therefore, it has been classified as a Variant of Uncertain Significance.